The following is an entry in ClinVar:

ClinVar aggregate classification (germline): Uncertain significance (1 of 4 stars; one submission).

Allele frequency attached by ClinVar (database versions not stated): gnomAD exomes 0.00003; ExAC 0.00006; TOPMed 0.00003; gnomAD 0.00003.
gnomAD v4.1: 46 of 1,557,330 alleles (0.003%); highest among the groups gnomAD compares: Non-Finnish European, 0.0038%; no homozygotes.

Submission:

Labcorp Genetics (formerly Invitae), Labcorp
Classification: Uncertain significance. Last evaluated: 2022-10-24. Review status: criteria provided, single submitter. Criteria: Invitae Variant Classification Sherloc (09022015). Collection method: clinical testing. Allele origin: germline.
Comment: This sequence change replaces glycine, which is neutral and non-polar, with arginine, which is basic and polar, at codon 67 of the OSTM1 protein (p.Gly67Arg). This variant is present in population databases (rs747769282, gnomAD 0.005%). This variant has not been reported in the literature in individuals affected with OSTM1-related conditions. ClinVar contains an entry for this variant (Variation ID: 1495262). Advanced modeling of protein sequence and biophysical properties (such as structural, functional, and spatial information, amino acid conservation, physicochemical variation, residue mobility, and thermodynamic stability) performed at Invitae indicates that this missense variant is not expected to disrupt OSTM1 protein function. In summary, the available evidence is currently insufficient to determine the role of this variant in disease. Therefore, it has been classified as a Variant of Uncertain Significance.

NM_014028.4(OSTM1):c.199G>A (p.Gly67Arg)

Gene: OSTM1 (osteoclastogenesis associated transmembrane protein 1; minus strand). Cytogenetic location: 6q21.
Variant type: single nucleotide variant.
Coding change: c.199G>A on transcript NM_014028.4 (MANE Select); coding-DNA position 199, G replaced by A.
Protein change: p.Gly67Arg; replaces glycine 67 with arginine.
Molecular consequence: missense variant.
Genome position (GRCh38, 1-based): chr6:108,074,453, C>T on the plus strand (G>A on the coding strand, the complement: OSTM1 is on the minus strand). VCF-style: chr6-108074453-C-T. GRCh37 (hg19) VCF-style: chr6-108395657-C-T.
Other names: short protein forms G67R.
Identifiers: ClinVar variation 1495262 (VCV001495262.5), dbSNP rs747769282, ClinGen allele CA3948118.
Genomic context (GRCh38, chr6:108,074,453, plus strand): 5'-GCTCCCGGCACTCAGGATCCAGATCCGGCAGGTCCGGGGGCAGCGACAGAGGCCCCAGCC[C>T]TCCACCCTGCAGGAGGGACAGGGACAAGTCCTCCACCTCCAGCAACTGCTGCTCCGACAG-3'
Protein context (NP_054747.2, residues 57-77): DLSLSLLQGG[Gly67Arg]LGPLSLPPDL